The following is an entry in ClinVar:

NM_001148.6(ANK2):c.8698C>G (p.Gln2900Glu)

Gene: ANK2 (ankyrin 2; plus strand). Cytogenetic location: 4q26.
Variant type: single nucleotide variant.
Coding change: c.8698C>G on transcript NM_001148.6 (MANE Select); coding-DNA position 8698, C replaced by G.
Protein change: p.Gln2900Glu; replaces glutamine 2900 with glutamic acid.
Molecular consequence: missense variant. On other transcripts: intron variant (68).
Genome position (GRCh38, 1-based): chr4:113,357,316, C>G. VCF-style: chr4-113357316-C-G. GRCh37 (hg19) VCF-style: chr4-114278472-C-G.
Other names: c.8464C>G, p.Gln2822Glu (NM_001386142.1); c.5098C>G, p.Gln1700Glu (NM_001386166.1); c.8839C>G, p.Gln2947Glu (NM_001386174.1); c.8815C>G, p.Gln2939Glu (NM_001386175.1); c.4412-3507C>G (NM_001386186.2, NM_001386148.2); c.4214-3507C>G (NM_001354269.3); c.4292-3507C>G (NM_001386187.2); c.4253-3507C>G (NM_001386147.1); and 35 more; short protein forms Q1700E, Q2822E, Q2900E, Q2939E, Q2947E.
Identifiers: ClinVar variation 1007551 (VCV001007551.5), dbSNP rs769751525, ClinGen allele CA3051813.

ClinVar aggregate classification (germline): Uncertain significance (1 of 4 stars; one submission).

Conditions:
Long QT syndrome (LQTS). Identifiers: MedGen C0023976, MeSH D008133, MONDO:0002442. Disease mechanism: loss of function. Inheritance: Various modes of inheritance.

Allele frequency attached by ClinVar (database versions not stated): ExAC 0.00002; gnomAD exomes 0.00003.
gnomAD v4.1: 18 of 1,614,074 alleles (0.0011%); highest among the groups gnomAD compares: South Asian, 0.019%; no homozygotes.

Submission:

Labcorp Genetics (formerly Invitae), Labcorp
Classification: Uncertain significance for Long QT syndrome. Last evaluated: 2020-07-16. Review status: criteria provided, single submitter. Criteria: Invitae Variant Classification Sherloc (09022015). Collection method: clinical testing. Allele origin: germline.
Comment: This sequence change replaces glutamine with glutamic acid at codon 2900 of the ANK2 protein (p.Gln2900Glu). The glutamine residue is weakly conserved and there is a small physicochemical difference between glutamine and glutamic acid. This variant is present in population databases (rs769751525, ExAC 0.01%). This variant has not been reported in the literature in individuals with ANK2-related conditions. Algorithms developed to predict the effect of missense changes on protein structure and function output the following: SIFT: "Tolerated"; PolyPhen-2: "Benign"; Align-GVGD: "Class C0". The glutamic acid amino acid residue is found in multiple mammalian species, suggesting that this missense change does not adversely affect protein function. These predictions have not been confirmed by published functional studies and their clinical significance is uncertain. In summary, the available evidence is currently insufficient to determine the role of this variant in disease. Therefore, it has been classified as a Variant of Uncertain Significance.